The following is an entry in ClinVar:

ClinVar aggregate classification (germline): Uncertain significance (1 of 4 stars; one submission).

Submission:

Laboratory for Molecular Medicine, Mass General Brigham Personalized Medicine
Classification: Uncertain significance. Last evaluated: 2015-11-25. Review status: criteria provided, single submitter. Criteria: LMM Criteria. Collection method: clinical testing. Allele origin: germline. Observed: 1 variant allele.
Comment: proposed classification - variant undergoing re-assessment, contact laboratory

NM_001276345.2(TNNT2):c.208A>C (p.Met70Leu)

Gene: TNNT2 (troponin T2, cardiac type; minus strand). Cytogenetic location: 1q32.1.
Variant type: single nucleotide variant.
Coding change: c.208A>C on transcript NM_001276345.2 (MANE Select); coding-DNA position 208, A replaced by C.
Protein change: p.Met70Leu; replaces methionine 70 with leucine.
Molecular consequence: missense variant.
Genome position (GRCh38, 1-based): chr1:201,366,863, T>G on the plus strand (A>C on the coding strand, the complement: TNNT2 is on the minus strand). VCF-style: chr1-201366863-T-G. GRCh37 (hg19) VCF-style: chr1-201335991-T-G.
Other names: c.208A>C, p.Met70Leu (NM_000364.4); c.178A>C, p.Met60Leu (NM_001001430.3, NM_001001431.3, NM_001276347.2); c.163A>C, p.Met55Leu (NM_001001432.3); c.205A>C, p.Met69Leu (NM_001276346.2); short protein forms M60L, M70L, M55L, M69L.
Identifiers: ClinVar variation 165554 (VCV000165554.5), dbSNP rs141837529, ClinGen allele CA004111.